The following is an entry in ClinVar:

ClinVar aggregate classification (germline): Uncertain significance (1 of 4 stars; one submission).

Conditions:
Cardiomyopathy (CMYO). Also called: Cardiomyopathies. Identifiers: Orphanet 167848, MedGen C0878544, MONDO:0004994, HP:0001638. Inheritance: Various modes of inheritance.

Submission:

Color Diagnostics, LLC DBA Color Health
Classification: Uncertain significance for Cardiomyopathy. Last evaluated: 2023-12-04. Review status: criteria provided, single submitter. Criteria: ACMG Guidelines, 2015. Collection method: clinical testing. Allele origin: germline.
Comment: Variant of Uncertain Significance due to insufficient evidence: This missense variant is located in the head domain of the PKP2 protein. Computational prediction tools and conservation analyses are inconclusive regarding the impact of this variant on the protein function. Computational splicing tools suggest that this variant may not impact RNA splicing. To our knowledge, functional assays have not been performed for this variant nor has this variant been reported in individuals affected with cardiovascular disorders in the literature. This variant is rare in the general population and has been identified in 0/277264 chromosomes by the Genome Aggregation Database (gnomAD). Available evidence is insufficient to determine the pathogenicity of this variant conclusively.

NM_001005242.3(PKP2):c.500A>G (p.Gln167Arg)

Gene: PKP2 (plakophilin 2; minus strand). Cytogenetic location: 12p11.21.
Variant type: single nucleotide variant.
Coding change: c.500A>G on transcript NM_001005242.3 (MANE Select); coding-DNA position 500, A replaced by G.
Protein change: p.Gln167Arg; replaces glutamine 167 with arginine.
Molecular consequence: missense variant.
Genome position (GRCh38, 1-based): chr12:32,878,380, T>C on the plus strand (A>G on the coding strand, the complement: PKP2 is on the minus strand). VCF-style: chr12-32878380-T-C. GRCh37 (hg19) VCF-style: chr12-33031314-T-C.
Other names: c.500A>G, p.Gln167Arg (NM_004572.4); short protein forms Q167R.
Identifiers: ClinVar variation 925179 (VCV000925179.5), dbSNP rs1956954474, ClinGen allele CA384364900.